The following is an entry in ClinVar:

ClinVar aggregate classification (germline): Benign/Likely benign. Review status: criteria provided, multiple submitters, no conflicts (2 of 4 stars). 10 submissions from 10 submitters: Benign (6); Likely benign (3). 1 of the submissions does not count toward it. Last evaluated 2026-02-04.

Conditions:
Primary ciliary dyskinesia. Also called: Ciliary dyskinesia. Identifiers: Orphanet 244, MedGen C0008780, MONDO:0016575, HP:0012265.
Primary ciliary dyskinesia 3. Identifiers: Orphanet 244, MedGen C1837618, MONDO:0012085, OMIM 608644.

Allele frequency attached by ClinVar (database versions not stated): 1000 Genomes Project 0.00319; 1000 Genomes Project 30x 0.00359; TOPMed 0.00984; gnomAD 0.00991 and 0.01011; ExAC 0.01069; gnomAD exomes 0.01086; ESP Exome Variant Server 0.01307.
gnomAD v4.1: 23,004 of 1,614,002 alleles (1.4%); highest among the groups gnomAD compares: Middle Eastern, 1.9%; 216 homozygotes.

Submissions (10):

Labcorp Genetics (formerly Invitae), Labcorp
Classification: Benign for Primary ciliary dyskinesia. Last evaluated: 2026-02-04. Review status: criteria provided, single submitter. Criteria: Invitae Variant Classification Sherloc (09022015). Collection method: clinical testing. Allele origin: germline.

ARUP Laboratories, Molecular Genetics and Genomics, ARUP Laboratories
Classification: Benign for Primary ciliary dyskinesia 3. Last evaluated: 2023-11-22. Review status: criteria provided, single submitter. Criteria: ARUP Molecular Germline Variant Investigation Process 2024. Collection method: clinical testing. Allele origin: germline.

Mayo Clinic Laboratories, Mayo Clinic
Classification: Benign. Last evaluated: 2023-06-29. Review status: criteria provided, single submitter. Criteria: ACMG Guidelines, 2015. Collection method: clinical testing. Allele origin: germline. Observed: 5 variant alleles.
Comment: BS1, BS2, BP4, BP7

CeGaT Center for Human Genetics Tuebingen
Classification: Likely benign. Last evaluated: 2021-04-01. Review status: criteria provided, single submitter. Criteria: CeGaT Center For Human Genetics Tuebingen Variant Classification Criteria Version 2. Collection method: clinical testing. Allele origin: germline. Affected: yes. Observed: 1 variant allele.

Illumina Laboratory Services, Illumina
Classification: Likely benign for Primary ciliary dyskinesia 3. Last evaluated: 2018-01-12. Review status: criteria provided, single submitter. Criteria: ICSL Variant Classification Criteria 13 December 2019. Collection method: clinical testing. Allele origin: germline.
Comment: This variant was observed in the ICSL laboratory as part of a predisposition screen in an ostensibly healthy population. It had not been previously curated by ICSL or reported in the Human Gene Mutation Database (HGMD: prior to June 1st, 2018), and was therefore a candidate for classification through an automated scoring system. Utilizing variant allele frequency, disease prevalence and penetrance estimates, and inheritance mode, an automated score was calculated to assess if this variant is too frequent to cause the disease. Based on the score and internal cut-off values, a variant classified as likely benign is not then subjected to further curation. The score for this variant resulted in a classification of likely benign for this disease.

Ambry Genetics
Classification: Benign for Primary ciliary dyskinesia. Last evaluated: 2015-02-12. Review status: criteria provided, single submitter. Criteria: Ambry Variant Classification Scheme 2023. Collection method: clinical testing. Allele origin: germline.

Laboratory for Molecular Medicine, Mass General Brigham Personalized Medicine
Classification: Benign. Last evaluated: 2013-02-21. Review status: criteria provided, single submitter. Criteria: LMM Criteria. Collection method: clinical testing. Allele origin: germline. Observed: 10 variant alleles.
Comment: Lys1329Lys in exon 25 of DNAH5: This variant is not expected to have clinical si gnificance because it does not alter an amino acid residue and is not located wi thin the splice consensus sequence. It has been identified in 1.8% (158/8600) of European American chromosomes from a broad population by the NHLBI Exome Sequen cing Project (dbSNP rs146191243).

Breakthrough Genomics
Classification: Likely benign. Review status: criteria provided, single submitter. Criteria: ACMG Guidelines, 2015. Collection method: not provided. Allele origin: germline. Inheritance: Autosomal recessive inheritance. Affected: yes.

PreventionGenetics, part of Exact Sciences
Classification: Benign. Review status: criteria provided, single submitter. Criteria: ACMG Guidelines, 2015. Collection method: clinical testing. Allele origin: germline.

Natera, Inc.
Classification: Likely benign for Primary ciliary dyskinesia. Last evaluated: 2019-11-26. Review status: no assertion criteria provided. Collection method: clinical testing. Allele origin: germline. Not counted in ClinVar's aggregate classification.

NM_001369.3(DNAH5):c.3987A>G (p.Lys1329=)

Genes: DNAH5-AS1 (DNAH5 antisense RNA 1; plus strand), DNAH5 (dynein axonemal heavy chain 5; minus strand). Cytogenetic location: 5p15.2.
Variant type: single nucleotide variant.
Coding change: c.3987A>G on transcript NM_001369.3 (MANE Select); coding-DNA position 3987, A replaced by G.
Protein change: p.Lys1329=; no amino-acid change (lysine 1329 retained).
Molecular consequence: synonymous variant.
Genome position (GRCh38, 1-based): chr5:13,867,840, T>C on the plus strand (A>G on the coding strand, the complement: DNAH5 is on the minus strand). VCF-style: chr5-13867840-T-C. GRCh37 (hg19) VCF-style: chr5-13867949-T-C.
Other names: p.Lys1329=.
Identifiers: ClinVar variation 163151 (VCV000163151.65), dbSNP rs146191243, ClinGen allele CA175795.